The following is an entry in ClinVar:

ClinVar aggregate classification (germline): Likely benign (1 of 4 stars; one submission).

Submission:

CeGaT Center for Human Genetics Tuebingen
Classification: Likely benign. Last evaluated: 2024-09-01. Review status: criteria provided, single submitter. Criteria: CeGaT Center For Human Genetics Tuebingen Variant Classification Criteria Version 2. Collection method: clinical testing. Allele origin: germline. Affected: yes. Observed: 1 variant allele.
Comment: AHNAK2: BP4, BP7

NM_138420.4(AHNAK2):c.3453G>A (p.Leu1151=)

Gene: AHNAK2 (AHNAK nucleoprotein 2; minus strand). Cytogenetic location: 14q32.33.
Variant type: single nucleotide variant.
Coding change: c.3453G>A on transcript NM_138420.4 (MANE Select); coding-DNA position 3453, G replaced by A.
Protein change: p.Leu1151=; no amino-acid change (leucine 1151 retained).
Molecular consequence: synonymous variant.
Genome position (GRCh38, 1-based): chr14:104,951,998, C>T on the plus strand (G>A on the coding strand, the complement: AHNAK2 is on the minus strand). VCF-style: chr14-104951998-C-T. GRCh37 (hg19) VCF-style: chr14-105418335-C-T.
Other names: c.3153G>A, p.Leu1051= (NM_001350929.2).
Identifiers: ClinVar variation 3387916 (VCV003387916.14).
Genomic context (GRCh38, chr14:104,951,998, plus strand): 5'-TGGCATCTTGAACTTGGGCATTTTGAACCTGCTGTCTTTGGCAGTCACATCCTTGTCGGC[C>T]AGGGACAGTTCCCCCTCCAGCCGCGCACTGTCCAGCTTGGCTCCCGGGGCCTCGACGTCC-3'
Protein context (NP_612429.2, residues 1141-1161): DSARLEGELS[Leu1151=]ADKDVTAKDS